The following is an entry in ClinVar:

ClinVar aggregate classification (germline): Conflicting classifications of pathogenicity. Review status: criteria provided, conflicting classifications (1 of 4 stars). 8 submissions from 8 submitters: Uncertain significance (5); Likely benign (3). Last evaluated 2026-05-07.

Conditions:
Inborn genetic diseases. Identifiers: MedGen C0950123, MeSH D030342.
TTN-related disorder. Also called: TTN-related condition; TTN-related disease; TTN-related disorders.
Autosomal recessive limb-girdle muscular dystrophy type 2J (LGMDR10). Also called: MUSCULAR DYSTROPHY, LIMB-GIRDLE, AUTOSOMAL RECESSIVE 10; Limb-girdle muscular dystrophy, type 2J. Identifiers: Orphanet 140922, MedGen C1837342, MONDO:0012127, OMIM 608807.
Dilated cardiomyopathy 1G (CMD1G). Identifiers: Orphanet 154, MedGen C1858763, MONDO:0011400, OMIM 604145.

Allele frequency attached by ClinVar (database versions not stated): TOPMed 0.00004; ExAC 0.00005; gnomAD 0.00006; gnomAD exomes 0.00008; 1000 Genomes Project 30x 0.00016; 1000 Genomes Project 0.00020.
gnomAD v4.1: 71 of 1,613,238 alleles (0.0044%); highest among the groups gnomAD compares: Admixed American, 0.037%; no homozygotes.

Submissions (8):

PreventionGenetics, part of Exact Sciences
Classification: Uncertain significance for TTN-related condition. Last evaluated: 2026-05-07. Review status: criteria provided, single submitter. Criteria: ACMG Guidelines, 2015. Collection method: clinical testing. Allele origin: germline.
Comment: The TTN c.43986T>G variant is predicted to result in the amino acid substitution p.Asp14662Glu. This variant has been reported in cohort studies of sudden unexplained death and neuromuscular disorders (described as p.Asp12094Glu in Table S1, Campuzano et al. 2015. PubMed ID: 26516846; Supplementary data, Gonzalez-Quereda et al. 2020. PubMed ID: 32403337). This variant is reported in 0.040% of alleles in individuals of Latino descent in gnomAD. At this time, the clinical significance of this variant is uncertain due to the absence of conclusive functional and genetic evidence.

Molecular Diagnostic Laboratory for Inherited Cardiovascular Disease, Montreal Heart Institute
Classification: Likely benign. Last evaluated: 2026-03-27. Review status: criteria provided, single submitter. Criteria: ACMG Guidelines, 2015. Collection method: clinical testing. Allele origin: germline. Affected: no.

Women's Health and Genetics/Laboratory Corporation of America, LabCorp
Classification: Likely benign. Last evaluated: 2025-06-27. Review status: criteria provided, single submitter. Criteria: LabCorp Variant Classification Summary - May 2015. Collection method: clinical testing. Allele origin: germline.
Comment: Variant summary: TTN c.36282T>G (p.Asp12094Glu) results in a conservative amino acid change in the encoded protein sequence. Algorithms developed to predict the effect of missense changes on protein structure and function are either unavailable or do not agree on the potential impact of this missense change. The variant allele was found at a frequency of 8.5e-05 in 248094 control chromosomes, predominantly at a frequency of 0.00041 within the Latino subpopulation in the gnomAD database. The observed variant frequency within Latino control individuals in the gnomAD database is approximately 1.05 fold of the estimated maximal expected allele frequency for a pathogenic variant in TTN causing Autosomal Recessive Titinopathy phenotype (0.00039). c.36282T>G has been observed in individuals affected with myopathic changes and sudden unexplained death (Gonzalez-Quereda_2020, Campuzano_2015). These report(s) do not provide unequivocal conclusions about association of the variant with Autosomal Recessive Titinopathy. The following publications have been ascertained in the context of this evaluation (PMID: 26516846, 32403337). To our knowledge, no experimental evidence demonstrating an impact on protein function has been reported. ClinVar contains an entry for this variant (Variation ID: 263480). Based on the evidence outlined above, the variant was classified as likely benign.

Revvity Omics, Revvity
Classification: Uncertain significance. Last evaluated: 2022-11-02. Review status: criteria provided, single submitter. Criteria: ACMG Guidelines, 2015. Collection method: clinical testing. Allele origin: germline.

GeneDx
Classification: Likely benign. Last evaluated: 2018-04-13. Review status: criteria provided, single submitter. Criteria: GeneDx Variant Classification (06012015). Collection method: clinical testing. Allele origin: germline. Affected: yes.
Comment: This variant is considered likely benign or benign based on one or more of the following criteria: it is a conservative change, it occurs at a poorly conserved position in the protein, it is predicted to be benign by multiple in silico algorithms, and/or has population frequency not consistent with disease.

Labcorp Genetics (formerly Invitae), Labcorp
Classification: Uncertain significance for Dilated cardiomyopathy 1G; Autosomal recessive limb-girdle muscular dystrophy type 2J. Last evaluated: 2017-08-03. Review status: criteria provided, single submitter. Criteria: Invitae Variant Classification Sherloc (09022015). Collection method: clinical testing. Allele origin: germline.

Eurofins Ntd Llc (ga)
Classification: Uncertain significance. Last evaluated: 2016-11-17. Review status: criteria provided, single submitter. Criteria: EGL Classification Definitions 2015. Collection method: clinical testing. Allele origin: germline. Observed: 1 variant allele, 1 heterozygote.

Ambry Genetics
Classification: Uncertain significance for Hereditary disease. Last evaluated: 2014-06-05. Review status: criteria provided, single submitter. Criteria: ambry_reporting_categories_2017. Collection method: clinical testing. Allele origin: germline. Affected: yes. Observed: 1 heterozygote. Segregation with disease observed.
Comment: Lines of evidence used in support of classification: UNCERTAIN: Alteration(s) of Uncertain Clinical Significance Detected

Literature cited by the submitters: PubMed 26516846 (cited by Women's Health and Genetics/Laboratory Corporation of America, LabCorp); PubMed 32403337 (cited by Women's Health and Genetics/Laboratory Corporation of America, LabCorp); PubMed 23518707 (cited by Ambry Genetics); PubMed 23418287 (cited by Ambry Genetics); PubMed 24105469 (cited by Ambry Genetics); PubMed 11717165 (cited by Ambry Genetics); PubMed 22335739 (cited by Ambry Genetics); PubMed 10462489 (cited by Ambry Genetics); PubMed 21810661 (cited by Ambry Genetics); PubMed 12669942 (cited by Ambry Genetics); PubMed 21617319 (cited by Ambry Genetics); PubMed 18948003 (cited by Ambry Genetics); PubMed 1745277 (cited by Ambry Genetics); PubMed 24395473 (cited by Ambry Genetics); PubMed 12145747 (cited by Ambry Genetics); PubMed 17444505 (cited by Ambry Genetics).

NM_001267550.2(TTN):c.43986T>G (p.Asp14662Glu)

Gene: TTN (titin; minus strand). Cytogenetic location: 2q31.2.
Variant type: single nucleotide variant.
Coding change: c.43986T>G on transcript NM_001267550.2 (MANE Select); coding-DNA position 43986, T replaced by G.
Protein change: p.Asp14662Glu; replaces aspartic acid 14662 with glutamic acid.
Molecular consequence: missense variant.
Genome position (GRCh38, 1-based): chr2:178,631,062, A>C on the plus strand (T>G on the coding strand, the complement: TTN is on the minus strand). VCF-style: chr2-178631062-A-C. GRCh37 (hg19) VCF-style: chr2-179495789-A-C.
Other names: c.39063T>G, p.Asp13021Glu (NM_001256850.1); c.16791T>G, p.Asp5597Glu (NM_003319.4); c.36282T>G, p.Asp12094Glu (NM_133378.4); c.17166T>G, p.Asp5722Glu (NM_133432.3); c.17367T>G, p.Asp5789Glu (NM_133437.4); short protein forms D12094E, D14662E, D13021E, D5597E, D5789E, D5722E.
Identifiers: ClinVar variation 263480 (VCV000263480.16), dbSNP rs201390600, ClinGen allele CA1995783.